The following is an entry in ClinVar:

NM_000069.3(CACNA1S):c.2708G>C (p.Arg903Pro)

Gene: CACNA1S (calcium voltage-gated channel subunit alpha1 S; minus strand). Cytogenetic location: 1q32.1.
Variant type: single nucleotide variant.
Coding change: c.2708G>C on transcript NM_000069.3 (MANE Select); coding-DNA position 2708, G replaced by C.
Protein change: p.Arg903Pro; replaces arginine 903 with proline.
Molecular consequence: missense variant.
Genome position (GRCh38, 1-based): chr1:201,066,266, C>G on the plus strand (G>C on the coding strand, the complement: CACNA1S is on the minus strand). VCF-style: chr1-201066266-C-G. GRCh37 (hg19) VCF-style: chr1-201035394-C-G.
Other names: short protein forms R903P.
Identifiers: ClinVar variation 1373562 (VCV001373562.6), dbSNP rs1452713683, ClinGen allele CA344102403.

ClinVar aggregate classification (germline): Uncertain significance (1 of 4 stars; one submission).

Conditions:
Malignant hyperthermia, susceptibility to, 5 (MHS5). Also called: CACNA1S-Related Malignant Hyperthermia Susceptibility. Identifiers: Orphanet 423, MedGen C1866077, MONDO:0011163, OMIM 601887.
Hypokalemic periodic paralysis, type 1. Also called: HypoPP; Hypokalemic Periodic Paralysis Type 1 (AD). Identifiers: Orphanet 681, MedGen C3714580, MONDO:0042979, OMIM 170400.

Submission:

Labcorp Genetics (formerly Invitae), Labcorp
Classification: Uncertain significance for Hypokalemic periodic paralysis, type 1; Malignant hyperthermia, susceptibility to, 5. Last evaluated: 2024-03-27. Review status: criteria provided, single submitter. Criteria: Invitae Variant Classification Sherloc (09022015). Collection method: clinical testing. Allele origin: germline.
Comment: This sequence change replaces arginine, which is basic and polar, with proline, which is neutral and non-polar, at codon 903 of the CACNA1S protein (p.Arg903Pro). This variant is not present in population databases (gnomAD no frequency). This variant has not been reported in the literature in individuals affected with CACNA1S-related conditions. ClinVar contains an entry for this variant (Variation ID: 1373562). Advanced modeling of protein sequence and biophysical properties (such as structural, functional, and spatial information, amino acid conservation, physicochemical variation, residue mobility, and thermodynamic stability) performed at Invitae indicates that this missense variant is expected to disrupt CACNA1S protein function with a positive predictive value of 80%. In summary, the available evidence is currently insufficient to determine the role of this variant in disease. Therefore, it has been classified as a Variant of Uncertain Significance.